The following is an entry in ClinVar:

NM_001256470.2(PLEKHA5):c.433-6A>G

Gene: PLEKHA5 (pleckstrin homology domain containing A5; plus strand). Cytogenetic location: 12p12.3.
Variant type: single nucleotide variant.
Coding change: c.433-6A>G on transcript NM_001256470.2 (MANE Select); 6 bases into the intron before coding-DNA position 433, A replaced by G.
Molecular consequence: intron variant.
Genome position (GRCh38, 1-based): chr12:19,257,427, A>G. VCF-style: chr12-19257427-A-G. GRCh37 (hg19) VCF-style: chr12-19410361-A-G.
Other names: c.109-6A>G (NM_001385956.1, NM_001385973.1, NM_001385961.1 and 29 more transcripts); c.108+2262A>G (NM_001385963.1); c.433-6A>G (NM_001385926.1, NM_001385929.1, NM_001385937.1 and 18 more transcripts).
Identifiers: ClinVar variation 3052458 (VCV003052458.2), dbSNP rs200644310, ClinGen allele CA6472059.

ClinVar aggregate classification (germline): Benign (0 of 4 stars; one submission).

Conditions:
PLEKHA5-related disorder. Also called: PLEKHA5-related condition.

Allele frequency attached by ClinVar (database versions not stated): ExAC 0.00070; 1000 Genomes Project 30x 0.00141; 1000 Genomes Project 0.00160; gnomAD 0.00236; TOPMed 0.00272; ESP Exome Variant Server 0.00285.
gnomAD v4.1: 658 of 1,450,496 alleles (0.045%); highest among the groups gnomAD compares: African/African-American, 0.86%; 5 homozygotes.

Submission:

PreventionGenetics, part of Exact Sciences
Classification: Benign for PLEKHA5-related condition. Last evaluated: 2019-08-28. Review status: no assertion criteria provided. Collection method: clinical testing. Allele origin: germline.
Comment: This variant is classified as benign based on ACMG/AMP sequence variant interpretation guidelines (Richards et al. 2015 PMID: 25741868, with internal and published modifications).